The following is an entry in ClinVar:

ClinVar aggregate classification (germline): Likely benign. Review status: criteria provided, multiple submitters, no conflicts (2 of 4 stars). 4 submissions from 4 submitters: Likely benign (4). Last evaluated 2025-12-31.

Conditions:
Fanconi anemia complementation group L (FANCL). Also called: FANCL-Related Fanconi Anemia. Identifiers: Orphanet 84, MedGen C3469528, MONDO:0013566, OMIM 614083.
Fanconi anemia (FA). Also called: Fanconi's anemia. Identifiers: Orphanet 84, MedGen C0015625, MeSH D005199, MONDO:0019391.

Allele frequency attached by ClinVar (database versions not stated): gnomAD 0.00001; gnomAD exomes 0.00002 and 0.00007; TOPMed 0.00003; ExAC 0.00006; ESP Exome Variant Server 0.00008.
gnomAD v4.1: 23 of 1,613,866 alleles (0.0014%); highest among the groups gnomAD compares: East Asian, 0.025%; no homozygotes.

Submissions (4):

Labcorp Genetics (formerly Invitae), Labcorp
Classification: Likely benign for Fanconi anemia. Last evaluated: 2025-12-31. Review status: criteria provided, single submitter. Criteria: Invitae Variant Classification Sherloc (09022015). Collection method: clinical testing. Allele origin: germline.

CeGaT Center for Human Genetics Tuebingen
Classification: Likely benign. Last evaluated: 2025-06-01. Review status: criteria provided, single submitter. Criteria: CeGaT Center For Human Genetics Tuebingen Variant Classification Criteria Version 2. Collection method: clinical testing. Allele origin: germline. Affected: yes. Observed: 1 variant allele.
Comment: FANCL: BP4, BP7

Blueprint Genetics
Classification: Likely benign. Last evaluated: 2024-05-23. Review status: criteria provided, single submitter. Criteria: ACMG Guidelines, 2015. Collection method: clinical testing. Allele origin: germline.

Fulgent Genetics
Classification: Likely benign for Fanconi anemia complementation group L. Last evaluated: 2022-02-17. Review status: criteria provided, single submitter. Criteria: ACMG Guidelines, 2015. Collection method: clinical testing. Allele origin: unknown.

NM_018062.4(FANCL):c.621C>T (p.Ile207=)

Gene: FANCL (FA complementation group L; minus strand). Cytogenetic location: 2p16.1.
Variant type: single nucleotide variant.
Coding change: c.621C>T on transcript NM_018062.4 (MANE Select); coding-DNA position 621, C replaced by T.
Protein change: p.Ile207=; no amino-acid change (isoleucine 207 retained).
Molecular consequence: synonymous variant.
Genome position (GRCh38, 1-based): chr2:58,165,794, G>A on the plus strand (C>T on the coding strand, the complement: FANCL is on the minus strand). VCF-style: chr2-58165794-G-A. GRCh37 (hg19) VCF-style: chr2-58392929-G-A.
Other names: c.636C>T, p.Ile212= (NM_001114636.2); c.666C>T, p.Ile222= (NM_001374615.1); c.681C>T, p.Ile227= (NM_001410792.1).
Identifiers: ClinVar variation 699995 (VCV000699995.23), dbSNP rs374195602, ClinGen allele CA1670538.
Genomic context (GRCh38, chr2:58,165,794, plus strand): 5'-TCTGCGTGCTGTTGCACTCCGTGGAGGTTTTTCTGGCTCAAGTACCCAGGTCTTCTCATC[G>A]ATTTCATCCATAACATCCCAGAATGCCTTTAGTGATTCTATTGCTGCCAAAAACTGACTA-3'
Protein context (NP_060532.2, residues 197-217): LKAFWDVMDE[Ile207=]DEKTWVLEPE